The following is an entry in ClinVar:

ClinVar aggregate classification (germline): Uncertain significance (1 of 4 stars; one submission).

Conditions:
Congenital contractural arachnodactyly (CCA). Also called: BEALS SYNDROME; Arthrogryposis, distal, type 9; Beals-Hecht syndrome. Identifiers: Orphanet 115, MedGen C0220668, MONDO:0007363, OMIM 121050.

Submission:

Labcorp Genetics (formerly Invitae), Labcorp
Classification: Uncertain significance for Congenital contractural arachnodactyly. Last evaluated: 2019-05-08. Review status: criteria provided, single submitter. Criteria: Invitae Variant Classification Sherloc (09022015). Collection method: clinical testing. Allele origin: germline.
Comment: This sequence change replaces glutamic acid with aspartic acid at codon 1076 of the FBN2 protein (p.Glu1076Asp). The glutamic acid residue is moderately conserved and there is a small physicochemical difference between glutamic acid and aspartic acid. In summary, the available evidence is currently insufficient to determine the role of this variant in disease. Therefore, it has been classified as a Variant of Uncertain Significance. Algorithms developed to predict the effect of missense changes on protein structure and function are either unavailable or do not agree on the potential impact of this missense change (SIFT: "Deleterious"; PolyPhen-2: "Probably Damaging"; Align-GVGD: "Class C0"). This variant has not been reported in the literature in individuals with FBN2-related conditions. This variant is not present in population databases (ExAC no frequency).

NM_001999.4(FBN2):c.3228A>C (p.Glu1076Asp)

Gene: FBN2 (fibrillin 2; minus strand). Cytogenetic location: 5q23.3.
Variant type: single nucleotide variant.
Coding change: c.3228A>C on transcript NM_001999.4 (MANE Select); coding-DNA position 3228, A replaced by C.
Protein change: p.Glu1076Asp; replaces glutamic acid 1076 with aspartic acid.
Molecular consequence: missense variant.
Genome position (GRCh38, 1-based): chr5:128,344,500, T>G on the plus strand (A>C on the coding strand, the complement: FBN2 is on the minus strand). VCF-style: chr5-128344500-T-G. GRCh37 (hg19) VCF-style: chr5-127680192-T-G.
Other names: short protein forms E1076D.
Identifiers: ClinVar variation 947328 (VCV000947328.10), dbSNP rs1751116346, ClinGen allele CA360762295.